The following is an entry in ClinVar:

ClinVar aggregate classification (germline): Uncertain significance (1 of 4 stars; one submission).

Conditions:
TTC8-related disorder. Also called: TTC8-related condition.

Submission:

PreventionGenetics, part of Exact Sciences
Classification: Uncertain significance for TTC8-related condition. Last evaluated: 2025-06-02. Review status: criteria provided, single submitter. Criteria: ACMG Guidelines, 2015. Collection method: clinical testing. Allele origin: germline.
Comment: The TTC8 c.1409A>G variant is predicted to result in the amino acid substitution p.Asn470Ser. To our knowledge, this variant has not been reported in the literature or in a large population database (gnomAD), indicating this variant is rare. At this time, the clinical significance of this variant is uncertain due to the absence of conclusive functional and genetic evidence.

NM_144596.4(TTC8):c.1409A>G (p.Asn470Ser)

Gene: TTC8 (tetratricopeptide repeat domain 8; plus strand). Cytogenetic location: 14q31.3.
Variant type: single nucleotide variant.
Coding change: c.1409A>G on transcript NM_144596.4 (MANE Select); coding-DNA position 1409, A replaced by G.
Protein change: p.Asn470Ser; replaces asparagine 470 with serine.
Molecular consequence: missense variant. On other transcripts: non-coding transcript variant (1), intron variant (2).
Genome position (GRCh38, 1-based): chr14:88,875,087, A>G. VCF-style: chr14-88875087-A-G. GRCh37 (hg19) VCF-style: chr14-89341431-A-G.
Other names: c.1457A>G, p.Asn486Ser (NM_001288781.1); c.815A>G, p.Asn272Ser (NM_001288782.1); c.692A>G, p.Asn231Ser (NM_001288783.1); c.1379A>G, p.Asn460Ser (NM_198309.3); c.1289A>G, p.Asn430Ser (NM_198310.3); c.1318-2207A>G (NM_001366535.2); c.1228-2207A>G (NM_001366536.2); short protein forms N460S, N231S, N430S, N486S, N272S, N470S.
Identifiers: ClinVar variation 5000723 (VCV005000723.1).